The following is an entry in ClinVar:

ClinVar aggregate classification (germline): Uncertain significance (1 of 4 stars; one submission).

Submission:

Labcorp Genetics (formerly Invitae), Labcorp
Classification: Uncertain significance. Last evaluated: 2025-07-14. Review status: criteria provided, single submitter. Criteria: Invitae Variant Classification Sherloc (09022015). Collection method: clinical testing. Allele origin: germline.
Comment: This sequence change replaces glutamine, which is neutral and polar, with proline, which is neutral and non-polar, at codon 332 of the PACS2 protein (p.Gln332Pro). This variant is not present in population databases (gnomAD no frequency). This variant has not been reported in the literature in individuals affected with PACS2-related conditions. Invitae Evidence Modeling of protein sequence and biophysical properties (such as structural, functional, and spatial information, amino acid conservation, physicochemical variation, residue mobility, and thermodynamic stability) indicates that this missense variant is not expected to disrupt PACS2 protein function with a negative predictive value of 80%. In summary, the available evidence is currently insufficient to determine the role of this variant in disease. Therefore, it has been classified as a Variant of Uncertain Significance.

NM_001100913.3(PACS2):c.995A>C (p.Gln332Pro)

Gene: PACS2 (phosphofurin acidic cluster sorting protein 2; plus strand). Cytogenetic location: 14q32.33.
Variant type: single nucleotide variant.
Coding change: c.995A>C on transcript NM_001100913.3 (MANE Select); coding-DNA position 995, A replaced by C.
Protein change: p.Gln332Pro; replaces glutamine 332 with proline.
Molecular consequence: missense variant.
Genome position (GRCh38, 1-based): chr14:105,379,774, A>C. VCF-style: chr14-105379774-A-C. GRCh37 (hg19) VCF-style: chr14-105846111-A-C.
Other names: c.770A>C, p.Gln257Pro (NM_001243127.3); c.995A>C, p.Gln332Pro (NM_015197.4); short protein forms Q257P, Q332P.
Identifiers: ClinVar variation 4691509 (VCV004691509.1).
Genomic context (GRCh38, chr14:105,379,774, plus strand): 5'-CCCCCACCCCTGTTCCCTGAGCCAGGCCATACTTTGAAGGCCTGTCGCACTCGAGCTCGC[A>C]GACGGAGATTGGGAGCATCCACAGCGCCCGCAGCCACAAGGAGCCCCCAAGCCCGGTGAG-3'
Protein context (NP_001094383.2, residues 322-342): YFEGLSHSSS[Gln332Pro]TEIGSIHSAR